The following is an entry in ClinVar:

NM_000142.5(FGFR3):c.1764G>A (p.Gln588=)

Gene: FGFR3 (fibroblast growth factor receptor 3; plus strand). Cytogenetic location: 4p16.3.
Variant type: single nucleotide variant.
Coding change: c.1764G>A on transcript NM_000142.5 (MANE Select); coding-DNA position 1764, G replaced by A.
Protein change: p.Gln588=; no amino-acid change (glutamine 588 retained).
Molecular consequence: synonymous variant. On other transcripts: non-coding transcript variant (1).
Genome position (GRCh38, 1-based): chr4:1,805,868, G>A. VCF-style: chr4-1805868-G-A. GRCh37 (hg19) VCF-style: chr4-1807595-G-A.
Other names: c.1770G>A, p.Gln590= (NM_001163213.2); c.1767G>A, p.Gln589= (NM_001354809.2, NM_001354810.2); c.1428G>A, p.Gln476= (NM_022965.4).
Identifiers: ClinVar variation 763506 (VCV000763506.8), dbSNP rs765360194, ClinGen allele CA2810570.
Genomic context (GRCh38, chr4:1,805,868, plus strand): 5'-GGCGCGGCGGCCCCCGGGCCTGGACTACTCCTTCGACACCTGCAAGCCGCCCGAGGAGCA[G>A]CTCACCTTCAAGGACCTGGTGTCCTGTGCCTACCAGGTGGCCCGGGGCATGGAGTACTTG-3'
Protein context (NP_000133.1, residues 578-598): SFDTCKPPEE[Gln588=]LTFKDLVSCA

ClinVar aggregate classification (germline): Likely benign. Review status: criteria provided, multiple submitters, no conflicts (2 of 4 stars). 2 submissions from 2 submitters: Likely benign (2). Last evaluated 2026-04-20.

Conditions:
FGFR3-related disorder. Also called: FGFR3-related disorders.

Allele frequency attached by ClinVar (database versions not stated): TOPMed 0.00004; ExAC 0.00006; gnomAD exomes 0.00008 and 0.00004; gnomAD 0.00003 and 0.00004.
gnomAD v4.1: 65 of 1,612,654 alleles (0.004%); highest among the groups gnomAD compares: Admixed American, 0.025%; no homozygotes.

Submissions (2):

PreventionGenetics, part of Exact Sciences
Classification: Likely benign for FGFR3-related condition. Last evaluated: 2026-04-20. Review status: criteria provided, single submitter. Criteria: ACMG Guidelines, 2015. Collection method: clinical testing. Allele origin: germline.
Comment: This variant is classified as likely benign based on ACMG/AMP sequence variant interpretation guidelines (Richards et al. 2015 PMID: 25741868, with internal and published modifications).

Labcorp Genetics (formerly Invitae), Labcorp
Classification: Likely benign. Last evaluated: 2026-01-27. Review status: criteria provided, single submitter. Criteria: Invitae Variant Classification Sherloc (09022015). Collection method: clinical testing. Allele origin: germline.